The following is an entry in ClinVar:

NM_001903.5(CTNNA1):c.2692A>G (p.Ser898Gly)

Gene: CTNNA1 (catenin alpha 1; plus strand). Cytogenetic location: 5q31.2.
Variant type: single nucleotide variant.
Coding change: c.2692A>G on transcript NM_001903.5 (MANE Select); coding-DNA position 2692, A replaced by G.
Protein change: p.Ser898Gly; replaces serine 898 with glycine.
Molecular consequence: missense variant. On other transcripts: 3 prime UTR variant (5).
Genome position (GRCh38, 1-based): chr5:138,934,060, A>G. VCF-style: chr5-138934060-A-G. GRCh37 (hg19) VCF-style: chr5-138269749-A-G.
Other names: c.*237A>G (NM_001290307.3, NM_001324002.1, NM_001324003.1 and 2 more transcripts); c.2383A>G, p.Ser795Gly (NM_001290309.3); c.2323A>G, p.Ser775Gly (NM_001290310.3); c.1582A>G, p.Ser528Gly (NM_001290312.1, NM_001323987.1, NM_001323988.1 and 12 more transcripts); c.2692A>G, p.Ser898Gly (NM_001323982.2, NM_001323983.1, NM_001323984.2); c.2665A>G, p.Ser889Gly (NM_001323985.2); c.2599A>G, p.Ser867Gly (NM_001323986.2); c.1447A>G, p.Ser483Gly (NM_001324001.1); and 3 more; short protein forms S415G, S889G, S775G, S447G, S483G, S497G, S528G, S795G.
Identifiers: ClinVar variation 642709 (VCV000642709.12), dbSNP rs776317664, ClinGen allele CA3432283.

ClinVar aggregate classification (germline): Conflicting classifications of pathogenicity. Review status: criteria provided, conflicting classifications (1 of 4 stars). 3 submissions from 3 submitters: Uncertain significance (2); Benign (1). Last evaluated 2024-06-13.

Conditions:
Hereditary cancer-predisposing syndrome. Also called: Tumor predisposition; Neoplastic Syndromes, Hereditary; Hereditary Cancer Syndrome; Hereditary neoplastic syndrome. Identifiers: Orphanet 140162, MedGen C0027672, MeSH D009386, MONDO:0015356.

Allele frequency attached by ClinVar (database versions not stated): ExAC 0.00002; gnomAD exomes 0.00001.
gnomAD v4.1: 8 of 1,613,280 alleles (0.0005%); highest among the groups gnomAD compares: South Asian, 0.0077%; no homozygotes.

Submissions (3):

Labcorp Genetics (formerly Invitae), Labcorp
Classification: Uncertain significance. Last evaluated: 2024-06-13. Review status: criteria provided, single submitter. Criteria: Invitae Variant Classification Sherloc (09022015). Collection method: clinical testing. Allele origin: germline.
Comment: This sequence change replaces serine, which is neutral and polar, with glycine, which is neutral and non-polar, at codon 898 of the CTNNA1 protein (p.Ser898Gly). This variant is present in population databases (rs776317664, gnomAD 0.01%). This variant has not been reported in the literature in individuals affected with CTNNA1-related conditions. ClinVar contains an entry for this variant (Variation ID: 642709). Advanced modeling of protein sequence and biophysical properties (such as structural, functional, and spatial information, amino acid conservation, physicochemical variation, residue mobility, and thermodynamic stability) performed at Invitae indicates that this missense variant is not expected to disrupt CTNNA1 protein function with a negative predictive value of 80%. In summary, the available evidence is currently insufficient to determine the role of this variant in disease. Therefore, it has been classified as a Variant of Uncertain Significance.

Ambry Genetics
Classification: Benign for Hereditary cancer-predisposing syndrome. Last evaluated: 2022-06-08. Review status: criteria provided, single submitter. Criteria: Ambry Variant Classification Scheme 2023. Collection method: clinical testing. Allele origin: germline.

Blueprint Genetics
Classification: Uncertain significance. Last evaluated: 2022-03-15. Review status: criteria provided, single submitter. Criteria: ACMG Guidelines, 2015. Collection method: clinical testing. Allele origin: germline.